The following is an entry in ClinVar:

NM_000059.4(BRCA2):c.2805T>A (p.Asp935Glu)

Gene: BRCA2 (BRCA2 DNA repair associated; plus strand). Cytogenetic location: 13q13.1.
Variant type: single nucleotide variant.
Coding change: c.2805T>A on transcript NM_000059.4 (MANE Select); coding-DNA position 2805, T replaced by A.
Protein change: p.Asp935Glu; replaces aspartic acid 935 with glutamic acid.
Molecular consequence: missense variant.
Genome position (GRCh38, 1-based): chr13:32,337,160, T>A. VCF-style: chr13-32337160-T-A. GRCh37 (hg19) VCF-style: chr13-32911297-T-A.
Other names: short protein forms D935E.
Identifiers: ClinVar variation 821827 (VCV000821827.6), dbSNP rs749138071, ClinGen allele CA387773753.
Genomic context (GRCh38, chr13:32,337,160, plus strand): 5'-TTGTGTAAACGAACCCATTTTCAAGAACTCTACCATGGTTTTATATGGAGACACAGGTGA[T>A]AAACAAGCAACCCAAGTGTCAATTAAAAAAGATTTGGTTTATGTTCTTGCAGAGGAGAAC-3'
Protein context (NP_000050.3, residues 925-945): STMVLYGDTG[Asp935Glu]KQATQVSIKK

ClinVar aggregate classification (germline): Conflicting classifications of pathogenicity. Review status: criteria provided, conflicting classifications (1 of 4 stars). 2 submissions from 2 submitters: Uncertain significance (1); Likely benign (1). Last evaluated 2023-03-23.

Conditions:
Hereditary cancer-predisposing syndrome. Also called: Tumor predisposition; Hereditary Cancer Syndrome; Neoplastic Syndromes, Hereditary; Hereditary neoplastic syndrome. Identifiers: Orphanet 140162, MedGen C0027672, MeSH D009386, MONDO:0015356.

Submissions (2):

University of Washington Department of Laboratory Medicine, University of Washington
Classification: Likely benign for Hereditary cancer-predisposing syndrome. Last evaluated: 2023-03-23. Review status: criteria provided, single submitter. Criteria: Dines et al. (Genet Med. 2020). Collection method: curation. Allele origin: germline.
Comment: Missense variant in a coldspot region where missense variants are very unlikely to be pathogenic (PMID:31911673).

BRCA2 exon 11 coldspot. Reclassification based on statistical prior probability.

Ambry Genetics
Classification: Uncertain significance for Hereditary cancer-predisposing syndrome. Last evaluated: 2018-12-27. Review status: criteria provided, single submitter. Criteria: Ambry Variant Classification Scheme 2023. Collection method: clinical testing. Allele origin: germline.
Comment: The p.D935E variant (also known as c.2805T>A), located in coding exon 10 of the BRCA2 gene, results from a T to A substitution at nucleotide position 2805. The aspartic acid at codon 935 is replaced by glutamic acid, an amino acid with highly similar properties. This amino acid position is poorly conserved in available vertebrate species. In addition, this alteration is predicted to be tolerated by in silico analysis. Since supporting evidence is limited at this time, the clinical significance of this alteration remains unclear.